The following is an entry in ClinVar:

NM_173630.4(RTTN):c.4303-3C>A

Gene: RTTN (rotatin; minus strand). Cytogenetic location: 18q22.2.
Variant type: single nucleotide variant.
Coding change: c.4303-3C>A on transcript NM_173630.4 (MANE Select); 3 bases into the intron before coding-DNA position 4303, C replaced by A.
Molecular consequence: intron variant.
Genome position (GRCh38, 1-based): chr18:70,086,687, G>T on the plus strand (C>A on the coding strand, the complement: RTTN is on the minus strand). VCF-style: chr18-70086687-G-T. GRCh37 (hg19) VCF-style: chr18-67753923-G-T.
Other names: c.1567-3C>A (NM_001318520.2).
Identifiers: ClinVar variation 3054162 (VCV003054162.2), dbSNP rs1599460008, ClinGen allele CA991590457.
Genomic context (GRCh38, chr18:70,086,687, plus strand): 5'-CCTTTATAATTTCTGTAGGCATTGGAATTACAAGGAGATTCTGAAGAATAAATGCCGCCT[G>T]AAAATGTAAAAAAAAAAAAAAAAAAAAAAAAAAAAAAAAAAAAAAAGGTCAATACTGCCA-3'

ClinVar aggregate classification (germline): Likely benign (0 of 4 stars; one submission).

Conditions:
RTTN-related disorder. Also called: RTTN-related condition.

Submission:

PreventionGenetics, part of Exact Sciences
Classification: Likely benign for RTTN-related condition. Last evaluated: 2023-09-13. Review status: no assertion criteria provided. Collection method: clinical testing. Allele origin: germline.
Comment: This variant is classified as likely benign based on ACMG/AMP sequence variant interpretation guidelines (Richards et al. 2015 PMID: 25741868, with internal and published modifications).